The following is an entry in ClinVar:

ClinVar aggregate classification (germline): Benign. Review status: criteria provided, multiple submitters, no conflicts (2 of 4 stars). 3 submissions from 3 submitters: Benign (2). 1 of the submissions does not count toward it. Last evaluated 2026-01-28.

Conditions:
PLXNA1-related disorder. Also called: PLXNA1-related condition.

Allele frequency attached by ClinVar (database versions not stated): ExAC 0.06269; 1000 Genomes Project 30x 0.09213; ESP Exome Variant Server 0.05005; TOPMed 0.05119; gnomAD 0.05336 and 0.05697; gnomAD exomes 0.06059; 1000 Genomes Project 0.09625.
gnomAD v4.1: 91,571 of 1,613,260 alleles (5.7%); highest among the groups gnomAD compares: South Asian, 13%; 3,221 homozygotes.

Submissions (3):

Labcorp Genetics (formerly Invitae), Labcorp
Classification: Benign. Last evaluated: 2026-01-28. Review status: criteria provided, single submitter. Criteria: Invitae Variant Classification Sherloc (09022015). Collection method: clinical testing. Allele origin: germline.

Breakthrough Genomics
Classification: Benign. Review status: criteria provided, single submitter. Criteria: ACMG Guidelines, 2015. Collection method: not provided. Allele origin: germline. Inheritance: Autosomal recessive inheritance. Affected: yes.

PreventionGenetics, part of Exact Sciences
Classification: Benign for PLXNA1-related condition. Last evaluated: 2019-10-21. Review status: no assertion criteria provided. Collection method: clinical testing. Allele origin: germline. Not counted in ClinVar's aggregate classification.
Comment: This variant is classified as benign based on ACMG/AMP sequence variant interpretation guidelines (Richards et al. 2015 PMID: 25741868, with internal and published modifications).

NM_032242.4(PLXNA1):c.4122G>A (p.Thr1374=)

Gene: PLXNA1 (plexin A1; plus strand). Cytogenetic location: 3q21.3.
Variant type: single nucleotide variant.
Coding change: c.4122G>A on transcript NM_032242.4 (MANE Select); coding-DNA position 4122, G replaced by A.
Protein change: p.Thr1374=; no amino-acid change (threonine 1374 retained).
Molecular consequence: synonymous variant.
Genome position (GRCh38, 1-based): chr3:127,022,168, G>A. VCF-style: chr3-127022168-G-A. GRCh37 (hg19) VCF-style: chr3-126741011-G-A.
Other names: c.4122G>A (NM_032242.3).
Identifiers: ClinVar variation 1655864 (VCV001655864.11), dbSNP rs9289290, ClinGen allele CA2594241.